The following is an entry in ClinVar:

NM_001083962.2(TCF4):c.305-155G>T

Gene: TCF4 (transcription factor 4; minus strand). Cytogenetic location: 18q21.2.
Variant type: single nucleotide variant.
Coding change: c.305-155G>T on transcript NM_001083962.2 (MANE Select); 155 bases into the intron before coding-DNA position 305, G replaced by T.
Molecular consequence: intron variant. On other transcripts: missense variant (2).
Genome position (GRCh38, 1-based): chr18:55,403,673, C>A on the plus strand (G>T on the coding strand, the complement: TCF4 is on the minus strand). VCF-style: chr18-55403673-C-A. GRCh37 (hg19) VCF-style: chr18-53070904-C-A.
Other names: c.42G>T, p.Arg14Ser (NM_001243232.1, NM_001306208.1); c.611-155G>T (NM_001243226.3); c.233-155G>T (NM_001369584.1, NM_001369576.1, NM_001369577.1 and 15 more transcripts); c.305-155G>T (NM_001369571.1, NM_001369567.1, NM_001243228.2 and 8 more transcripts); c.299-155G>T (NM_001243230.2); c.179-155G>T (NM_001243231.2, NM_001348211.2); c.-83-155G>T (NM_001348212.2); c.-86-155G>T (NM_001348213.2, NM_001243233.2); short protein forms R14S.
Identifiers: ClinVar variation 4993041 (VCV004993041.1).

ClinVar aggregate classification (germline): Uncertain significance (1 of 4 stars; one submission).

Conditions:
TCF4-related disorder. Also called: TCF4-related condition.

Submission:

PreventionGenetics, part of Exact Sciences
Classification: Uncertain significance for TCF4-related condition. Last evaluated: 2025-11-25. Review status: criteria provided, single submitter. Criteria: ACMG Guidelines, 2015. Collection method: clinical testing. Allele origin: germline.
Comment: The TCF4 c.42G>T variant is predicted to result in the amino acid substitution p.Arg14Ser. To our knowledge, this variant has not been reported in the literature or in a large population database (gnomAD), indicating this variant is rare. At this time, the clinical significance of this variant is uncertain due to the absence of conclusive functional and genetic evidence.